The following is an entry in ClinVar:

NM_000551.4(VHL):c.463+1G>C

Genes: VHL (von Hippel-Lindau tumor suppressor; plus strand), LOC107303340 (3p25 von Hippel-Lindau tumor suppressor, E3 ubiquitin protein ligase Alu-mediated recombination region; plus strand). Cytogenetic location: 3p25.3.
Variant type: single nucleotide variant.
Coding change: c.463+1G>C on transcript NM_000551.4 (MANE Select); the canonical splice donor site of the intron after coding-DNA position 463, G replaced by C.
Molecular consequence: splice donor variant. On other transcripts: intron variant (2).
Genome position (GRCh38, 1-based): chr3:10,146,637, G>C. VCF-style: chr3-10146637-G-C. GRCh37 (hg19) VCF-style: chr3-10188321-G-C.
Other names: NC_000003.11:g.10188321G>C; c.*18-3150G>C (NM_001354723.2); c.341-3150G>C (NM_198156.3).
Identifiers: ClinVar variation 223217 (VCV000223217.3), dbSNP rs869025657, ClinGen allele CA357023.

ClinVar aggregate classification (germline): Likely pathogenic. Review status: criteria provided, single submitter (1 of 4 stars). 2 submissions from 2 submitters: Likely pathogenic (1). 1 of the submissions does not count toward it. Last evaluated 2025-03-13.

Conditions:
Hereditary cancer-predisposing syndrome. Also called: Tumor predisposition; Hereditary neoplastic syndrome; Neoplastic Syndromes, Hereditary; Hereditary Cancer Syndrome. Identifiers: Orphanet 140162, MedGen C0027672, MeSH D009386, MONDO:0015356.
Von Hippel-Lindau syndrome (VHLS). Also called: Von Hippel-Lindau; von Hippel–Lindau syndrome; VHL syndrome. Identifiers: Orphanet 892, MedGen C0019562, MONDO:0008667, OMIM 193300. Disease mechanism: loss of function.

Submissions (3):

Ambry Genetics
Classification: Likely pathogenic for Hereditary cancer-predisposing syndrome. Last evaluated: 2025-03-13. Review status: criteria provided, single submitter. Criteria: Ambry Variant Classification Scheme 2023. Collection method: clinical testing. Allele origin: germline.
Comment: The c.463+1G>C intronic variant results from a G to C substitution one nucleotide after coding exon 2 of the VHL gene. This nucleotide position is highly conserved in available vertebrate species. In silico splice site analysis predicts that this alteration will weaken the native splice donor site and will result in the creation or strengthening of a novel splice donor site. RNA studies have demonstrated that this alteration results in abnormal splicing in the set of samples tested (Ambry internal data). Alterations that disrupt the canonical splice site are expected to cause aberrant splicing, resulting in an abnormal protein or a transcript that is subject to nonsense-mediated mRNA decay. As such, this alteration is classified as likely pathogenic.

Genomic Diagnostic Laboratory, Division of Genomic Diagnostics, Children's Hospital of Philadelphia
Classification: Pathogenic for Von Hippel-Lindau syndrome. Last evaluated: 2016-02-26. Review status: no assertion criteria provided. Collection method: clinical testing. Allele origin: germline. Affected: yes. Observed: 4 variant alleles. Not counted in ClinVar's aggregate classification.

Dr. Peter K. Rogan Lab, Western University
No classification provided (evidence only). Condition: Clear cell carcinoma of kidney. Review status: no classification provided. Collection method: in vitro. Allele origin: not applicable. Functional consequence: retained intron. Not counted in ClinVar's aggregate classification.